The following is an entry in ClinVar:

NM_152424.4(AMER1):c.2642G>T (p.Arg881Leu)

Gene: AMER1 (APC membrane recruitment protein 1; minus strand). Cytogenetic location: Xq11.2.
Variant type: single nucleotide variant.
Coding change: c.2642G>T on transcript NM_152424.4 (MANE Select); coding-DNA position 2642, G replaced by T.
Protein change: p.Arg881Leu; replaces arginine 881 with leucine.
Molecular consequence: missense variant.
Genome position (GRCh38, 1-based): chrX:64,190,645, C>A on the plus strand (G>T on the coding strand, the complement: AMER1 is on the minus strand). VCF-style: chrX-64190645-C-A. GRCh37 (hg19) VCF-style: chrX-63410525-C-A.
Other names: c.2642G>T (NM_152424.3); short protein forms R881L.
Identifiers: ClinVar variation 2162587 (VCV002162587.6), dbSNP rs372769953, ClinGen allele CA10432175.

ClinVar aggregate classification (germline): Conflicting classifications of pathogenicity. Review status: criteria provided, conflicting classifications (1 of 4 stars). 3 submissions from 3 submitters: Uncertain significance (1); Likely benign (2). Last evaluated 2026-09-01.

Conditions:
Inborn genetic diseases. Identifiers: MedGen C0950123, MeSH D030342.

gnomAD v4.1: 24 of 1,209,848 alleles (0.002%); highest among the groups gnomAD compares: Admixed American, 0.037%; no homozygotes.

Submissions (3):

CeGaT Center for Human Genetics Tuebingen
Classification: Likely benign. Last evaluated: 2026-09-01. Review status: criteria provided, single submitter. Criteria: CeGaT Center For Human Genetics Tuebingen Variant Classification Criteria Version 2. Collection method: clinical testing. Allele origin: germline. Affected: yes. Observed: 1 variant allele.
Comment: AMER1: BP4, BS2

Labcorp Genetics (formerly Invitae), Labcorp
Classification: Uncertain significance. Last evaluated: 2026-01-31. Review status: criteria provided, single submitter. Criteria: Invitae Variant Classification Sherloc (09022015). Collection method: clinical testing. Allele origin: germline.
Comment: This sequence change replaces arginine, which is basic and polar, with leucine, which is neutral and non-polar, at codon 881 of the AMER1 protein (p.Arg881Leu). This variant is present in population databases (rs372769953, gnomAD 0.03%), including at least one homozygous and/or hemizygous individual. This variant has not been reported in the literature in individuals affected with AMER1-related conditions. ClinVar contains an entry for this variant (Variation ID: 2162587). An algorithm developed to predict the effect of missense changes on protein structure and function (PolyPhen-2) suggests that this variant is likely to be disruptive. In summary, the available evidence is currently insufficient to determine the role of this variant in disease. Therefore, it has been classified as a Variant of Uncertain Significance.

Ambry Genetics
Classification: Likely benign for Inborn genetic diseases. Last evaluated: 2022-11-09. Review status: criteria provided, single submitter. Criteria: Ambry Variant Classification Scheme 2023. Collection method: clinical testing. Allele origin: germline.